The following is an entry in ClinVar:

ClinVar aggregate classification (germline): Likely benign (1 of 4 stars; one submission).

Conditions:
SPTB-related disorder. Also called: SPTB-Related Disorders; SPTB-related condition.

gnomAD v4.1: 13 of 1,614,052 alleles (0.00081%); highest among the groups gnomAD compares: African/African-American, 0.0013%; no homozygotes.

Submission:

PreventionGenetics, part of Exact Sciences
Classification: Likely benign for SPTB-related condition. Last evaluated: 2025-07-08. Review status: criteria provided, single submitter. Criteria: ACMG Guidelines, 2015. Collection method: clinical testing. Allele origin: germline.
Comment: This variant is classified as likely benign based on ACMG/AMP sequence variant interpretation guidelines (Richards et al. 2015 PMID: 25741868, with internal and published modifications).

NM_001355436.2(SPTB):c.3390C>T (p.Gly1130=)

Gene: SPTB (spectrin beta, erythrocytic; minus strand). Cytogenetic location: 14q23.3.
Variant type: single nucleotide variant.
Coding change: c.3390C>T on transcript NM_001355436.2 (MANE Select); coding-DNA position 3390, C replaced by T.
Protein change: p.Gly1130=; no amino-acid change (glycine 1130 retained).
Molecular consequence: synonymous variant.
Genome position (GRCh38, 1-based): chr14:64,786,575, G>A on the plus strand (C>T on the coding strand, the complement: SPTB is on the minus strand). VCF-style: chr14-64786575-G-A. GRCh37 (hg19) VCF-style: chr14-65253293-G-A.
Other names: c.3390C>T, p.Gly1130= (NM_001024858.4, NM_001355437.2).
Identifiers: ClinVar variation 4997994 (VCV004997994.1).